The following is an entry in ClinVar:

NM_024740.2(ALG9):c.131+6T>A

Genes: ALG9 (ALG9 alpha-1,2-mannosyltransferase; minus strand), LOC130006752 (ATAC-STARR-seq lymphoblastoid silent region 3902; plus strand). Cytogenetic location: 11q23.1.
Variant type: single nucleotide variant.
Coding change: c.131+6T>A on transcript NM_024740.2 (MANE Select); 6 bases into the intron after coding-DNA position 131, T replaced by A.
Molecular consequence: intron variant.
Genome position (GRCh38, 1-based): chr11:111,871,346, A>T on the plus strand (T>A on the coding strand, the complement: ALG9 is on the minus strand). VCF-style: chr11-111871346-A-T. GRCh37 (hg19) VCF-style: chr11-111742069-A-T.
Other names: c.-244+6T>A (NM_001352409.1); c.131+6T>A (NM_001352418.1, NM_001352417.1, NM_001077690.1); c.-387+6T>A (NM_001352410.1, NM_001352413.1).
Identifiers: ClinVar variation 3046547 (VCV003046547.2), dbSNP rs1290705708, ClinGen allele CA671739834.

ClinVar aggregate classification (germline): Uncertain significance (0 of 4 stars; one submission).

Conditions:
ALG9-related disorder. Also called: ALG9-related condition.

Allele frequency attached by ClinVar (database versions not stated): TOPMed 0.00002.
gnomAD v4.1: 26 of 1,519,452 alleles (0.0017%); highest among the groups gnomAD compares: East Asian, 0.018%; no homozygotes.

Submission:

PreventionGenetics, part of Exact Sciences
Classification: Uncertain significance for ALG9-related condition. Last evaluated: 2023-12-21. Review status: no assertion criteria provided. Collection method: clinical testing. Allele origin: germline.
Comment: The ALG9 c.131+6T>A variant is predicted to interfere with splicing. To our knowledge, this variant has not been reported in the literature. This variant is reported in 0.046% of alleles in individuals of East Asian descent in gnomAD. Please note that this variant is covered in fewer than 50% of individuals in gnomAD v2.1.1 exomes and allele frequency estimates may not be reliable. At this time, the clinical significance of this variant is uncertain due to the absence of conclusive functional and genetic evidence.